The following is an entry in ClinVar:

NM_022124.6(CDH23):c.5168G>A (p.Arg1723His)

Gene: CDH23 (cadherin related 23; plus strand). Cytogenetic location: 10q22.1.
Variant type: single nucleotide variant.
Coding change: c.5168G>A on transcript NM_022124.6 (MANE Select); coding-DNA position 5168, G replaced by A.
Protein change: p.Arg1723His; replaces arginine 1723 with histidine.
Molecular consequence: missense variant.
Genome position (GRCh38, 1-based): chr10:71,778,289, G>A. VCF-style: chr10-71778289-G-A. GRCh37 (hg19) VCF-style: chr10-73538046-G-A.
Other names: short protein forms R1723H.
Identifiers: ClinVar variation 162919 (VCV000162919.13), dbSNP rs189361642, ClinGen allele CA175498.
Genomic context (GRCh38, chr10:71,778,289, plus strand): 5'-GCCACGGCCGCTACACCCTGATCGTCACTGCCACAGACCAGTGCCCCATCTTATCCCACC[G>A]CCTCACCTCTACCACCACGGTGGGTGCATGGGACACAGCCCCAACTTGGGCTTGGAGGTT-3'
Protein context (NP_071407.4, residues 1713-1733): ATDQCPILSH[Arg1723His]LTSTTTVLVN

ClinVar aggregate classification (germline): Uncertain significance. Review status: criteria provided, multiple submitters, no conflicts (2 of 4 stars). 7 submissions from 7 submitters: Uncertain significance (6). 1 of the submissions does not count toward it. Last evaluated 2026-09-09.

Conditions:
CDH23-related disorder. Also called: CDH23-related condition; CDH23-related disorders.
Usher syndrome type 1 (USH1). Also called: RETINITIS PIGMENTOSA AND CONGENITAL DEAFNESS. Identifiers: Orphanet 231169, Orphanet 886, MedGen C1568247, MONDO:0010168, OMIM 276900.

Allele frequency attached by ClinVar (database versions not stated): gnomAD 0.00002 and 0.00003; TOPMed 0.00002; gnomAD exomes 0.00003 and 0.00005; ExAC 0.00005; ESP Exome Variant Server 0.00008; 1000 Genomes Project 30x 0.00016; 1000 Genomes Project 0.00020.
gnomAD v4.1: 54 of 1,613,874 alleles (0.0033%); highest among the groups gnomAD compares: African/African-American, 0.008%; no homozygotes.

Submissions (7):

PreventionGenetics, part of Exact Sciences
Classification: Uncertain significance for CDH23-related condition. Last evaluated: 2026-09-09. Review status: criteria provided, single submitter. Criteria: ACMG Guidelines, 2015. Collection method: clinical testing. Allele origin: germline.
Comment: The CDH23 c.5168G>A variant is predicted to result in the amino acid substitution p.Arg1723His. This variant was found in trans with a CDH23 loss-of function variant in two siblings from a consanguineous family affected by hearing loss (Alsebeyi et al. 2024. PubMed ID: 39596651). This variant is reported in 0.017% of alleles in individuals of African descent in gnomAD. Although we suspect that this variant may be pathogenic, at this time, the clinical significance of this variant is uncertain due to the absence of conclusive functional and genetic evidence.

Women's Health and Genetics/Laboratory Corporation of America, LabCorp
Classification: Uncertain significance. Last evaluated: 2025-12-04. Review status: criteria provided, single submitter. Criteria: LabCorp Variant Classification Summary - May 2015. Collection method: clinical testing. Allele origin: germline.
Comment: Variant summary: CDH23 c.5168G>A (p.Arg1723His) results in a non-conservative amino acid change in the encoded protein sequence. Algorithms developed to predict the effect of missense changes on protein structure and function are either unavailable or do not agree on the potential impact of this missense change. The variant allele was found at a frequency of 5.2e-05 in 249160 control chromosomes (gnomAD). This frequency is not significantly higher than estimated for disease-causing variants in CDH23, allowing no conclusion about variant significance. c.5168G>A has been observed in trans with a pathogenic variant in individuals affected with hearing loss (Alsebeyi_2024). These data indicate that the variant may be associated with disease. To our knowledge, no experimental evidence demonstrating an impact on protein function has been reported. The following publication has been ascertained in the context of this evaluation (PMID: 39596651). ClinVar contains an entry for this variant (Variation ID: 162919). Based on the evidence outlined above, the variant was classified as VUS-possibly pathogenic.

GeneDx
Classification: Uncertain significance. Last evaluated: 2024-11-14. Review status: criteria provided, single submitter. Criteria: GeneDx Variant Classification Process June 2021. Collection method: clinical testing. Allele origin: germline. Affected: yes.
Comment: In silico analysis supports that this missense variant has a deleterious effect on protein structure/function; This variant is associated with the following publications: (PMID: Oka2023[preprint], Alsebeyi2024[casereport])

Labcorp Genetics (formerly Invitae), Labcorp
Classification: Uncertain significance. Last evaluated: 2024-11-11. Review status: criteria provided, single submitter. Criteria: Invitae Variant Classification Sherloc (09022015). Collection method: clinical testing. Allele origin: germline.
Comment: This sequence change replaces arginine, which is basic and polar, with histidine, which is basic and polar, at codon 1723 of the CDH23 protein (p.Arg1723His). This variant is present in population databases (rs189361642, gnomAD 0.02%). This variant has not been reported in the literature in individuals affected with CDH23-related conditions. ClinVar contains an entry for this variant (Variation ID: 162919). Invitae Evidence Modeling of protein sequence and biophysical properties (such as structural, functional, and spatial information, amino acid conservation, physicochemical variation, residue mobility, and thermodynamic stability) has been performed for this missense variant. However, the output from this modeling did not meet the statistical confidence thresholds required to predict the impact of this variant on CDH23 protein function. In summary, the available evidence is currently insufficient to determine the role of this variant in disease. Therefore, it has been classified as a Variant of Uncertain Significance.

Blueprint Genetics
Classification: Uncertain significance. Last evaluated: 2022-06-30. Review status: criteria provided, single submitter. Criteria: ACMG Guidelines, 2015. Collection method: clinical testing. Allele origin: germline.

Laboratory for Molecular Medicine, Mass General Brigham Personalized Medicine
Classification: Uncertain significance. Last evaluated: 2015-08-18. Review status: criteria provided, single submitter. Criteria: LMM Criteria. Collection method: clinical testing. Allele origin: germline. Observed: 2 variant alleles.
Comment: The p.Arg1723His variant in CDH23 has been previously reported in the heterozygo us state in one individual with hearing loss, but a second variant affecting the other copy of the gene was not found. It has also been identified in 4/66584 Eu ropean chromosomes and 2/9754 African chromosomes by the Exome Aggregation Conso rtium (ExAC; dbSNP rs189361642). Although this v ariant has been seen in the general population, its frequency is not high enough to rule out a pathogenic role. Computational prediction tools and conservation analysis suggest that this variant may impact the protein, though this informati on is not predictive enough to determine pathogenicity. In summary, the clinical significance of the p.Arg1723His variant is uncertain.

Natera, Inc.
Classification: Uncertain significance for Usher syndrome type 1. Last evaluated: 2019-10-28. Review status: no assertion criteria provided. Collection method: clinical testing. Allele origin: germline. Not counted in ClinVar's aggregate classification.

Literature cited by the submitters: PubMed 39596651 (cited by Women's Health and Genetics/Laboratory Corporation of America, LabCorp).